The following is an entry in ClinVar:

NM_004006.3(DMD):c.4213C>G (p.Gln1405Glu)

Gene: DMD (dystrophin; minus strand). Cytogenetic location: Xp21.1.
Variant type: single nucleotide variant.
Coding change: c.4213C>G on transcript NM_004006.3 (MANE Select); coding-DNA position 4213, C replaced by G.
Protein change: p.Gln1405Glu; replaces glutamine 1405 with glutamic acid.
Molecular consequence: missense variant.
Genome position (GRCh38, 1-based): chrX:32,411,772, G>C on the plus strand (C>G on the coding strand, the complement: DMD is on the minus strand). VCF-style: chrX-32411772-G-C. GRCh37 (hg19) VCF-style: chrX-32429889-G-C.
Other names: c.4189C>G, p.Gln1397Glu (NM_000109.4); c.4201C>G, p.Gln1401Glu (NM_004009.3); c.3844C>G, p.Gln1282Glu (NM_004010.3); c.190C>G, p.Gln64Glu (NM_004011.4); c.181C>G, p.Gln61Glu (NM_004012.4); short protein forms Q1282E, Q1397E, Q1401E, Q1405E, Q61E, Q64E.
Identifiers: ClinVar variation 3233601 (VCV003233601.4), dbSNP rs128626247, ClinGen allele CA412666066.

ClinVar aggregate classification (germline): Conflicting classifications of pathogenicity. Review status: criteria provided, conflicting classifications (1 of 4 stars). 3 submissions from 3 submitters: Uncertain significance (2); Likely benign (1). Last evaluated 2025-12-30.

Conditions:
Duchenne muscular dystrophy (DMD). Also called: MUSCULAR DYSTROPHY, PSEUDOHYPERTROPHIC PROGRESSIVE, DUCHENNE TYPE; Duchenne Muscular Dystrophy (DMD). Identifiers: Orphanet 98896, MedGen C0013264, MONDO:0010679, OMIM 310200.
Cardiovascular phenotype. Identifiers: MedGen CN230736.

Allele frequency attached by ClinVar (database versions not stated): TOPMed 0.00002.
gnomAD v4.1: 4 of 1,211,409 alleles (0.00033%); highest among the groups gnomAD compares: Admixed American, 0.0022%; no homozygotes.

Submissions (3):

Ambry Genetics
Classification: Likely benign for Cardiovascular phenotype. Last evaluated: 2025-12-30. Review status: criteria provided, single submitter. Criteria: Ambry Variant Classification Scheme 2023. Collection method: clinical testing. Allele origin: germline.

Labcorp Genetics (formerly Invitae), Labcorp
Classification: Uncertain significance for Duchenne muscular dystrophy. Last evaluated: 2025-12-14. Review status: criteria provided, single submitter. Criteria: Invitae Variant Classification Sherloc (09022015). Collection method: clinical testing. Allele origin: germline.
Comment: This sequence change replaces glutamine, which is neutral and polar, with glutamic acid, which is acidic and polar, at codon 1405 of the DMD protein (p.Gln1405Glu). This variant is not present in population databases (gnomAD no frequency). This variant has not been reported in the literature in individuals affected with DMD-related conditions. ClinVar contains an entry for this variant (Variation ID: 3233601). Invitae Evidence Modeling of protein sequence and biophysical properties (such as structural, functional, and spatial information, amino acid conservation, physicochemical variation, residue mobility, and thermodynamic stability) indicates that this missense variant is not expected to disrupt DMD protein function with a negative predictive value of 95%. In summary, the available evidence is currently insufficient to determine the role of this variant in disease. Therefore, it has been classified as a Variant of Uncertain Significance.

Women's Health and Genetics/Laboratory Corporation of America, LabCorp
Classification: Uncertain significance. Last evaluated: 2024-03-07. Review status: criteria provided, single submitter. Criteria: LabCorp Variant Classification Summary - May 2015. Collection method: clinical testing. Allele origin: germline.
Comment: Variant summary: DMD c.4213C>G (p.Gln1405Glu) results in a conservative amino acid change in the encoded protein sequence. Three of five in-silico tools predict a benign effect of the variant on protein function. The variant was absent in 182949 control chromosomes. The available data on variant occurrences in the general population are insufficient to allow any conclusion about variant significance. To our knowledge, no occurrence of c.4213C>G in individuals affected with Dystrophinopathies and no experimental evidence demonstrating its impact on protein function have been reported. No submitters have cited clinical-significance assessments for this variant to ClinVar. Based on the evidence outlined above, the variant was classified as uncertain significance.